The following is an entry in ClinVar:

ClinVar aggregate classification (germline): Uncertain significance (1 of 4 stars; one submission).

Allele frequency attached by ClinVar (database versions not stated): gnomAD exomes below 0.00001; ExAC 0.00001; gnomAD 0.00001.
gnomAD v4.1: 2 of 1,610,816 alleles (0.00012%); highest among the groups gnomAD compares: Admixed American, 0.0017%; no homozygotes.

Submission:

Labcorp Genetics (formerly Invitae), Labcorp
Classification: Uncertain significance. Last evaluated: 2021-11-11. Review status: criteria provided, single submitter. Criteria: Invitae Variant Classification Sherloc (09022015). Collection method: clinical testing. Allele origin: germline.
Comment: In summary, the available evidence is currently insufficient to determine the role of this variant in disease. Therefore, it has been classified as a Variant of Uncertain Significance. Variants that disrupt the consensus splice site are a relatively common cause of aberrant splicing (PMID: 17576681, 9536098). Algorithms developed to predict the effect of sequence changes on RNA splicing suggest that this variant may disrupt the consensus splice site. This variant has not been reported in the literature in individuals affected with PLEKHG2-related conditions. This variant is not present in population databases (gnomAD no frequency). This sequence change falls in intron 10 of the PLEKHG2 gene. It does not directly change the encoded amino acid sequence of the PLEKHG2 protein. It affects a nucleotide within the consensus splice site.

Literature cited by the submitters: PubMed 17576681; PubMed 9536098.

NM_022835.3(PLEKHG2):c.1177-3T>A

Gene: PLEKHG2 (pleckstrin homology and RhoGEF domain containing G2; plus strand). Cytogenetic location: 19q13.2.
Variant type: single nucleotide variant.
Coding change: c.1177-3T>A on transcript NM_022835.3 (MANE Select); 3 bases into the intron before coding-DNA position 1177, T replaced by A.
Molecular consequence: intron variant.
Genome position (GRCh38, 1-based): chr19:39,418,914, T>A. VCF-style: chr19-39418914-T-A. GRCh37 (hg19) VCF-style: chr19-39909554-T-A.
Other names: c.1000-3T>A (NM_001351693.2); c.1177-3T>A (NM_001351694.2).
Identifiers: ClinVar variation 1450313 (VCV001450313.5), dbSNP rs748450183, ClinGen allele CA9429390.